The following is an entry in ClinVar:

NM_017780.4(CHD7):c.1665+1G>A

Gene: CHD7 (chromodomain helicase DNA binding protein 7; plus strand). Cytogenetic location: 8q12.2.
Variant type: single nucleotide variant.
Coding change: c.1665+1G>A on transcript NM_017780.4 (MANE Select); the canonical splice donor site of the intron after coding-DNA position 1665, G replaced by A.
Molecular consequence: splice donor variant.
Genome position (GRCh38, 1-based): chr8:60,743,098, G>A. VCF-style: chr8-60743098-G-A. GRCh37 (hg19) VCF-style: chr8-61655657-G-A.
Other names: c.1665+1G>A (NM_001316690.1).
Identifiers: ClinVar variation 3359089 (VCV003359089.2).

ClinVar aggregate classification (germline): Pathogenic (1 of 4 stars; one submission).

Conditions:
CHARGE syndrome (CHARGE). Also called: Hittner Hirsch Kreh syndrome; CHARGE ASSOCIATION--COLOBOMA, HEART ANOMALY, CHOANAL ATRESIA, RETARDATION, GENITAL AND EAR ANOMALIES; Coloboma, heart anomaly, choanal atresia, retardation, genital and ear anomalies; CHARGE association; Hall-Hittner syndrome. Identifiers: Orphanet 138, MedGen C0265354, MONDO:0008965.

Submission:

Institute of Human Genetics, University of Leipzig Medical Center
Classification: Pathogenic for CHD7-related CHARGE syndrome. Last evaluated: 2024-08-06. Review status: criteria provided, single submitter. Criteria: ACMG Guidelines, 2015. Collection method: clinical testing. Allele origin: de novo. Inheritance: Autosomal dominant inheritance. Affected: yes.
Comment: Criteria applied: PVS1,PS2_MOD,PM2